The following is an entry in ClinVar:

NM_024996.7(GFM1):c.998+1G>A

Gene: GFM1 (G elongation factor mitochondrial 1; plus strand). Cytogenetic location: 3q25.32.
Variant type: single nucleotide variant.
Coding change: c.998+1G>A on transcript NM_024996.7 (MANE Select); the canonical splice donor site of the intron after coding-DNA position 998, G replaced by A.
Molecular consequence: splice donor variant.
Genome position (GRCh38, 1-based): chr3:158,653,468, G>A. VCF-style: chr3-158653468-G-A. GRCh37 (hg19) VCF-style: chr3-158371257-G-A.
Other names: c.431+1G>A (NM_001374359.1, NM_001374360.1); c.314+1G>A (NM_001374361.1); c.539+1G>A (NM_001374358.1); c.998+1G>A (NM_001308166.2); c.1055+1G>A (NM_001308164.2, NM_001374355.1); c.773+1G>A (NM_001374357.1); c.881+1G>A (NM_001374356.1).
Identifiers: ClinVar variation 2695937 (VCV002695937.3), dbSNP rs1275818409, ClinGen allele CA355177275.

ClinVar aggregate classification (germline): Likely pathogenic (1 of 4 stars; one submission).

Submission:

Labcorp Genetics (formerly Invitae), Labcorp
Classification: Likely pathogenic. Last evaluated: 2023-11-14. Review status: criteria provided, single submitter. Criteria: Invitae Variant Classification Sherloc (09022015). Collection method: clinical testing. Allele origin: germline.
Comment: This sequence change affects a donor splice site in intron 7 of the GFM1 gene. It is expected to disrupt RNA splicing. Variants that disrupt the donor or acceptor splice site typically lead to a loss of protein function (PMID: 16199547), and loss-of-function variants in GFM1 are known to be pathogenic (PMID: 16632485, 17160893). This variant is present in population databases (no rsID available, gnomAD 0.0009%). This variant has not been reported in the literature in individuals affected with GFM1-related conditions. Algorithms developed to predict the effect of sequence changes on RNA splicing suggest that this variant may disrupt the consensus splice site. In summary, the currently available evidence indicates that the variant is pathogenic, but additional data are needed to prove that conclusively. Therefore, this variant has been classified as Likely Pathogenic.

Literature cited by the submitters: PubMed 16199547; PubMed 16632485; PubMed 17160893.